The following is an entry in ClinVar:

ClinVar aggregate classification (germline): Conflicting classifications of pathogenicity. Review status: criteria provided, conflicting classifications (1 of 4 stars). 3 submissions from 3 submitters: Uncertain significance (2); Likely benign (1). Last evaluated 2024-05-28.

Conditions:
Autosomal recessive polycystic kidney disease (ARPKD). Also called: AR polycystic kidney disease. Identifiers: Orphanet 731, Orphanet 8378, MedGen C0085548, MeSH D017044, MONDO:0009889.

Allele frequency attached by ClinVar (database versions not stated): gnomAD 0.00002 and 0.00003; TOPMed 0.00003; gnomAD exomes 0.00005; ExAC 0.00009.
gnomAD v4.1: 73 of 1,613,772 alleles (0.0045%); highest among the groups gnomAD compares: Middle Eastern, 0.016%; no homozygotes.

Submissions (3):

GeneDx
Classification: Uncertain significance. Last evaluated: 2024-05-28. Review status: criteria provided, single submitter. Criteria: GeneDx Variant Classification Process June 2021. Collection method: clinical testing. Allele origin: germline. Affected: yes.
Comment: Not observed at significant frequency in large population cohorts (gnomAD); In silico analysis supports that this missense variant has a deleterious effect on protein structure/function; Has not been previously published as pathogenic or benign to our knowledge

Labcorp Genetics (formerly Invitae), Labcorp
Classification: Likely benign for Autosomal recessive polycystic kidney disease. Last evaluated: 2024-03-18. Review status: criteria provided, single submitter. Criteria: Invitae Variant Classification Sherloc (09022015). Collection method: clinical testing. Allele origin: germline.

Eurofins Ntd Llc (ga)
Classification: Uncertain significance. Last evaluated: 2015-08-30. Review status: criteria provided, single submitter. Criteria: EGL Classification Definitions 2015. Collection method: clinical testing. Allele origin: germline. Observed: 1 variant allele, 1 heterozygote.

NM_138694.4(PKHD1):c.1796C>T (p.Pro599Leu)

Gene: PKHD1 (PKHD1 ciliary IPT domain containing fibrocystin/polyductin; minus strand). Cytogenetic location: 6p12.2.
Variant type: single nucleotide variant.
Coding change: c.1796C>T on transcript NM_138694.4 (MANE Select); coding-DNA position 1796, C replaced by T.
Protein change: p.Pro599Leu; replaces proline 599 with leucine.
Molecular consequence: missense variant.
Genome position (GRCh38, 1-based): chr6:52,055,627, G>A on the plus strand (C>T on the coding strand, the complement: PKHD1 is on the minus strand). VCF-style: chr6-52055627-G-A. GRCh37 (hg19) VCF-style: chr6-51920425-G-A.
Other names: c.1796C>T, p.Pro599Leu (NM_170724.3); c.1796C>T (NM_138694.3); short protein forms P599L.
Identifiers: ClinVar variation 282369 (VCV000282369.14), dbSNP rs199941159, ClinGen allele CA3853444.